The following is an entry in ClinVar:

ClinVar aggregate classification (germline): Likely benign. Review status: criteria provided, multiple submitters, no conflicts (2 of 4 stars). 4 submissions from 4 submitters: Likely benign (3). 1 of the submissions does not count toward it. Last evaluated 2025-04-14.

Conditions:
Classic dopamine transporter deficiency syndrome (PKDYS1). Also called: DOPAMINE TRANSPORTER DEFICIENCY SYNDROME; Parkinsonism-dystonia, infantile, 1. Identifiers: Orphanet 238455, MedGen C5700336, MONDO:0054835, OMIM 613135.
Tobacco addiction, susceptibility to. Also called: CIGARETTE HABITUATION, SUSCEPTIBILITY TO. Identifiers: MedGen C1861063, MONDO:0100460, OMIM 188890.
Parkinsonism-dystonia, infantile. Identifiers: Orphanet 238455, MedGen C2751067, MONDO:0013150.
SLC6A3-related disorder. Also called: SLC6A3-related condition.

Allele frequency attached by ClinVar (database versions not stated): TOPMed 0.00006; ExAC 0.00012.
gnomAD v4.1: 96 of 1,614,062 alleles (0.0059%); highest among the groups gnomAD compares: East Asian, 0.038%; no homozygotes.

Submissions (4):

Labcorp Genetics (formerly Invitae), Labcorp
Classification: Likely benign for Parkinsonism-dystonia, infantile. Last evaluated: 2025-04-14. Review status: criteria provided, single submitter. Criteria: Invitae Variant Classification Sherloc (09022015). Collection method: clinical testing. Allele origin: germline.

CeGaT Center for Human Genetics Tuebingen
Classification: Likely benign. Last evaluated: 2022-10-01. Review status: criteria provided, single submitter. Criteria: CeGaT Center For Human Genetics Tuebingen Variant Classification Criteria Version 2. Collection method: clinical testing. Allele origin: germline. Affected: yes. Observed: 1 variant allele.
Comment: SLC6A3: BP4, BP7

Fulgent Genetics
Classification: Likely benign for Tobacco addiction, susceptibility to; Classic dopamine transporter deficiency syndrome. Last evaluated: 2021-07-05. Review status: criteria provided, single submitter. Criteria: ACMG Guidelines, 2015. Collection method: clinical testing. Allele origin: unknown.

PreventionGenetics, part of Exact Sciences
Classification: Likely benign for SLC6A3-related condition. Last evaluated: 2019-04-01. Review status: no assertion criteria provided. Collection method: clinical testing. Allele origin: germline. Not counted in ClinVar's aggregate classification.
Comment: This variant is classified as likely benign based on ACMG/AMP sequence variant interpretation guidelines (Richards et al. 2015 PMID: 25741868, with internal and published modifications).

NM_001044.5(SLC6A3):c.1677G>A (p.Ala559=)

Gene: SLC6A3 (solute carrier family 6 member 3). Cytogenetic location: 5p15.33.
Variant type: single nucleotide variant.
Coding change: c.1677G>A on transcript NM_001044.5 (MANE Select); coding-DNA position 1677, G replaced by A.
Protein change: p.Ala559=; no amino-acid change (alanine 559 retained).
Molecular consequence: synonymous variant.
Genome position (GRCh38, 1-based): chr5:1,403,012, C>T on the plus strand (G>A on the coding strand, the complement: SLC6A3 is on the minus strand). VCF-style: chr5-1403012-C-T. GRCh37 (hg19) VCF-style: chr5-1403127-C-T.
Identifiers: ClinVar variation 1117070 (VCV001117070.35), dbSNP rs767241571, ClinGen allele CA3185948.